The following is an entry in ClinVar:

NM_031935.3(HMCN1):c.7477G>C (p.Glu2493Gln)

Gene: HMCN1 (hemicentin 1; plus strand). Cytogenetic location: 1q31.1.
Variant type: single nucleotide variant.
Coding change: c.7477G>C on transcript NM_031935.3 (MANE Select); coding-DNA position 7477, G replaced by C.
Protein change: p.Glu2493Gln; replaces glutamic acid 2493 with glutamine.
Molecular consequence: missense variant.
Genome position (GRCh38, 1-based): chr1:186,062,564, G>C. VCF-style: chr1-186062564-G-C. GRCh37 (hg19) VCF-style: chr1-186031696-G-C.
Other names: short protein forms E2493Q.
Identifiers: ClinVar variation 1377480 (VCV001377480.6), dbSNP rs771719125, ClinGen allele CA1292846.

ClinVar aggregate classification (germline): Uncertain significance (1 of 4 stars; one submission).

Allele frequency attached by ClinVar (database versions not stated): gnomAD 0.00001; gnomAD exomes 0.00001; TOPMed 0.00001; ExAC 0.00002.
gnomAD v4.1: 19 of 1,612,974 alleles (0.0012%); highest among the groups gnomAD compares: Non-Finnish European, 0.0015%; no homozygotes.

Submission:

Labcorp Genetics (formerly Invitae), Labcorp
Classification: Uncertain significance. Last evaluated: 2025-03-19. Review status: criteria provided, single submitter. Criteria: Invitae Variant Classification Sherloc (09022015). Collection method: clinical testing. Allele origin: germline.
Comment: This sequence change replaces glutamic acid, which is acidic and polar, with glutamine, which is neutral and polar, at codon 2493 of the HMCN1 protein (p.Glu2493Gln). This variant is present in population databases (rs771719125, gnomAD 0.004%). This variant has not been reported in the literature in individuals affected with HMCN1-related conditions. ClinVar contains an entry for this variant (Variation ID: 1377480). An algorithm developed to predict the effect of missense changes on protein structure and function (PolyPhen-2) suggests that this variant is likely to be disruptive. In summary, the available evidence is currently insufficient to determine the role of this variant in disease. Therefore, it has been classified as a Variant of Uncertain Significance.